The following is an entry in ClinVar:

NM_003906.5(MCM3AP):c.979G>A (p.Val327Ile)

Gene: MCM3AP (minichromosome maintenance complex component 3 associated protein; minus strand). Cytogenetic location: 21q22.3.
Variant type: single nucleotide variant.
Coding change: c.979G>A on transcript NM_003906.5 (MANE Select); coding-DNA position 979, G replaced by A.
Protein change: p.Val327Ile; replaces valine 327 with isoleucine.
Molecular consequence: missense variant.
Genome position (GRCh38, 1-based): chr21:46,284,308, C>T on the plus strand (G>A on the coding strand, the complement: MCM3AP is on the minus strand). VCF-style: chr21-46284308-C-T. GRCh37 (hg19) VCF-style: chr21-47704222-C-T.
Other names: short protein forms V327I.
Identifiers: ClinVar variation 2086479 (VCV002086479.4), dbSNP rs1178037519, ClinGen allele CA410533897.

ClinVar aggregate classification (germline): Uncertain significance (1 of 4 stars; one submission).

Allele frequency attached by ClinVar (database versions not stated): TOPMed below 0.00001; gnomAD 0.00001.

Submission:

Labcorp Genetics (formerly Invitae), Labcorp
Classification: Uncertain significance. Last evaluated: 2025-10-02. Review status: criteria provided, single submitter. Criteria: Invitae Variant Classification Sherloc (09022015). Collection method: clinical testing. Allele origin: germline.
Comment: This sequence change replaces valine, which is neutral and non-polar, with isoleucine, which is neutral and non-polar, at codon 327 of the MCM3AP protein (p.Val327Ile). This variant is not present in population databases (gnomAD no frequency). This variant has not been reported in the literature in individuals affected with MCM3AP-related conditions. ClinVar contains an entry for this variant (Variation ID: 2086479). An algorithm developed to predict the effect of missense changes on protein structure and function (PolyPhen-2) suggests that this variant is likely to be disruptive. In summary, the available evidence is currently insufficient to determine the role of this variant in disease. Therefore, it has been classified as a Variant of Uncertain Significance.